The following is an entry in ClinVar:

ClinVar aggregate classification (germline): Benign/Likely benign. Review status: criteria provided, multiple submitters, no conflicts (2 of 4 stars). 3 submissions from 3 submitters: Benign (1); Likely benign (2). Last evaluated 2024-12-20.

Conditions:
Hereditary cancer-predisposing syndrome. Also called: Tumor predisposition; Hereditary Cancer Syndrome; Neoplastic Syndromes, Hereditary; Hereditary neoplastic syndrome. Identifiers: Orphanet 140162, MedGen C0027672, MeSH D009386, MONDO:0015356.
Lynch syndrome 5 (LYNCH5). Also called: Colorectal cancer, hereditary nonpolyposis, type 5; Hereditary non-polyposis colorectal cancer, type 5. Identifiers: Orphanet 144, MedGen C1833477, MONDO:0013710, OMIM 614350. Disease mechanism: loss of function.
Hereditary nonpolyposis colorectal neoplasms. Identifiers: MedGen C0009405, MeSH D003123.

Allele frequency attached by ClinVar (database versions not stated): gnomAD exomes below 0.00001.
gnomAD v4.1: 2 of 1,614,162 alleles (0.00012%); highest among the groups gnomAD compares: Non-Finnish European, 0.00017%; no homozygotes.

Submissions (3):

Myriad Genetics, Inc.
Classification: Benign for Lynch syndrome 5. Last evaluated: 2024-12-20. Review status: criteria provided, single submitter. Criteria: Myriad Autosomal Dominant, Autosomal Recessive and X-Linked Classification Criteria (2023). Collection method: clinical testing. Allele origin: unknown.
Comment: This variant is considered benign. This variant is a silent/synonymous amino acid change and it is not expected to impact splicing.

Labcorp Genetics (formerly Invitae), Labcorp
Classification: Likely benign for Hereditary nonpolyposis colorectal neoplasms. Last evaluated: 2020-09-23. Review status: criteria provided, single submitter. Criteria: Invitae Variant Classification Sherloc (09022015). Collection method: clinical testing. Allele origin: germline.

Ambry Genetics
Classification: Likely benign for Hereditary cancer-predisposing syndrome. Last evaluated: 2019-09-23. Review status: criteria provided, single submitter. Criteria: Ambry Variant Classification Scheme 2023. Collection method: clinical testing. Allele origin: germline.

NM_000179.3(MSH6):c.912G>A (p.Val304=)

Gene: MSH6 (mutS homolog 6; plus strand). Cytogenetic location: 2p16.3.
Variant type: single nucleotide variant.
Coding change: c.912G>A on transcript NM_000179.3 (MANE Select); coding-DNA position 912, G replaced by A.
Protein change: p.Val304=; no amino-acid change (valine 304 retained).
Molecular consequence: synonymous variant.
Genome position (GRCh38, 1-based): chr2:47,798,895, G>A. VCF-style: chr2-47798895-G-A. GRCh37 (hg19) VCF-style: chr2-48026034-G-A.
Other names: c.522G>A, p.Val174= (NM_001281492.2); c.6G>A, p.Val2= (NM_001281493.2, NM_001281494.2).
Identifiers: ClinVar variation 823040 (VCV000823040.14), dbSNP rs1182172629, ClinGen allele CA426121012.